The following is an entry in ClinVar:

NM_004168.4(SDHA):c.1064+5G>A

Gene: SDHA (succinate dehydrogenase complex flavoprotein subunit A; plus strand). Cytogenetic location: 5p15.33.
Variant type: single nucleotide variant.
Coding change: c.1064+5G>A on transcript NM_004168.4 (MANE Select); 5 bases into the intron after coding-DNA position 1064, G replaced by A.
Molecular consequence: intron variant.
Genome position (GRCh38, 1-based): chr5:233,650, G>A. VCF-style: chr5-233650-G-A. GRCh37 (hg19) VCF-style: chr5-233765-G-A.
Other names: c.1064+5G>A (NM_001330758.2); c.920+5G>A (NM_001294332.2).
Identifiers: ClinVar variation 371829 (VCV000371829.27), dbSNP rs200021115, ClinGen allele CA3173077.

ClinVar aggregate classification (germline): Conflicting classifications of pathogenicity. Review status: criteria provided, conflicting classifications (1 of 4 stars). 8 submissions from 8 submitters: Uncertain significance (5); Likely benign (2). 1 of the submissions does not count toward it. Last evaluated 2026-01-27.

Conditions:
Pheochromocytoma/paraganglioma syndrome 5. Also called: Paragangliomas 5; SDHA-Related Hereditary Paraganglioma-Pheochromocytoma Syndrome. Identifiers: Orphanet 29072, MedGen C3279992, MONDO:0013602, OMIM 614165.
Mitochondrial complex II deficiency, nuclear type 1. Also called: SUCCINATE CoQ REDUCTASE DEFICIENCY. Identifiers: Orphanet 3208, MedGen C5700310, MONDO:0100294, OMIM 252011.
Hereditary cancer-predisposing syndrome. Also called: Tumor predisposition; Hereditary Cancer Syndrome; Hereditary neoplastic syndrome; Neoplastic Syndromes, Hereditary. Identifiers: Orphanet 140162, MedGen C0027672, MeSH D009386, MONDO:0015356.

Allele frequency attached by ClinVar (database versions not stated): gnomAD 0.00006 and 0.00007; ESP Exome Variant Server 0.00008; TOPMed 0.00011.
gnomAD v4.1: 64 of 1,613,824 alleles (0.004%); highest among the groups gnomAD compares: Middle Eastern, 0.066%; no homozygotes.

Submissions (10):

Labcorp Genetics (formerly Invitae), Labcorp
Classification: Likely benign for Pheochromocytoma/paraganglioma syndrome 5; Mitochondrial complex II deficiency, nuclear type 1. Last evaluated: 2026-01-27. Review status: criteria provided, single submitter. Criteria: Invitae Variant Classification Sherloc (09022015). Collection method: clinical testing. Allele origin: germline.

Quest Diagnostics Nichols Institute San Juan Capistrano
Classification: Uncertain significance. Last evaluated: 2025-02-19. Review status: criteria provided, single submitter. Criteria: Quest Diagnostics criteria. Collection method: clinical testing. Allele origin: unknown.
Comment: The SDHA c.1064+5G>A variant has not been reported in individuals with SDHA-related conditions in the published literature. The frequency of this variant in the general population (Genome Aggregation Database) is uninformative in the assessment of its pathogenicity. Analysis of this variant using software algorithms for the prediction of the effect of nucleotide changes on splicing yielded predictions that this variant may affect proper SDHA mRNA splicing. Based on the available information, we are unable to determine the clinical significance of this variant.

Myriad Genetics, Inc.
Classification: Uncertain significance for Pheochromocytoma/paraganglioma syndrome 5. Last evaluated: 2023-04-21. Review status: criteria provided, single submitter. Criteria: Myriad Autosomal Dominant, Autosomal Recessive and X-Linked Classification Criteria (2023). Collection method: clinical testing. Allele origin: unknown.
Comment: This variant is classified as a variant of uncertain significance as there is insufficient evidence to determine its impact on protein function and/or cancer risk.

Clinical Genomics Laboratory, Stanford Medicine
Classification: Uncertain significance for Mitochondrial complex II deficiency, nuclear type 1; Pheochromocytoma/paraganglioma syndrome 5. Last evaluated: 2022-10-28. Review status: criteria provided, single submitter. Criteria: ACMG Guidelines, 2015. Collection method: clinical testing. Allele origin: germline. Observed: 1 variant allele, 1 heterozygote.
Comment: The c.1064+5G>A variant in the SDHA gene has not been previously reported in association with disease. This variant has been identified in 2/19,954 East Asian chromosomes (17/282,696 chromosomes overall) by the Genome Aggregation Database. This variant is present in ClinVar (Variation ID: 371829).This variant occurs in the 5' donor splice site of intron 8. Computational splicing tools predict an impact to splicing; however, the accuracy of in silico algorithms is limited. These data were assessed using the ACMG/AMP variant interpretation guidelines. In summary, the significance of the c.1064+5G>A variant is uncertain. Additional information is needed to resolve the significance of this variant. [ACMG evidence codes used: PP3]

Sema4
Classification: Uncertain significance for Hereditary cancer-predisposing syndrome. Last evaluated: 2021-11-15. Review status: criteria provided, single submitter. Criteria: Sema4 Curation Guidelines. Collection method: curation. Allele origin: germline.
Comment: The SDHA c.1064+5G>A variant has not been reported in literature to our knowledge. This variant was observed in 2/19954 chromosomes in East Asian population according to the Genome Aggregation Database (PMID: 32461654). This variant has been reported in ClinVar (Variation ID 371829). In silico tools that predict the effect of sequence changes on splicing suggest that this variant may impact splicing, though these predictions have not been confirmed by functional studies. The overall evidence is insufficient to meet ACMG/AMP criteria for classifying it as benign or pathogenic. In summary, the clinical significance of this variant is currently uncertain.

GeneDx
Classification: Uncertain significance. Last evaluated: 2020-10-28. Review status: criteria provided, single submitter. Criteria: GeneDx Variant Classification Process June 2021. Collection method: clinical testing. Allele origin: germline. Affected: yes.
Comment: Not observed at a significant frequency in large population cohorts (Lek et al., 2016); Has not been previously published as pathogenic or benign to our knowledge; In-silico analysis, which includes splice predictors and evolutionary conservation, is inconclusive as to whether the variant alters gene splicing. In the absence of RNA/functional studies, the actual effect of this sequence change is unknown.

Ambry Genetics
Classification: Likely benign for Hereditary cancer-predisposing syndrome. Last evaluated: 2019-12-06. Review status: criteria provided, single submitter. Criteria: Ambry Variant Classification Scheme 2023. Collection method: clinical testing. Allele origin: germline.

Counsyl
Classification: Uncertain significance for Pheochromocytoma/paraganglioma syndrome 5. Last evaluated: 2016-03-02. Review status: no assertion criteria provided. Collection method: clinical testing. Allele origin: unknown. Not counted in ClinVar's aggregate classification.

Dr. Peter K. Rogan Lab, Western University
No classification provided (evidence only). Condition: Uterine corpus endometrial carcinoma. Review status: no classification provided. Collection method: in vitro. Allele origin: not applicable. Functional consequence: retained intron. Not counted in ClinVar's aggregate classification.

Dr. Peter K. Rogan Lab, Western University
No classification provided (evidence only). Condition: Sarcoma. Review status: no classification provided. Collection method: in vitro. Allele origin: not applicable. Functional consequence: retained intron. Not counted in ClinVar's aggregate classification.